The following is an entry in ClinVar:

NM_000217.3(KCNA1):c.257G>C (p.Arg86Pro)

Gene: KCNA1 (potassium voltage-gated channel subfamily A member 1; plus strand). Cytogenetic location: 12p13.32.
Variant type: single nucleotide variant.
Coding change: c.257G>C on transcript NM_000217.3 (MANE Select); coding-DNA position 257, G replaced by C.
Protein change: p.Arg86Pro; replaces arginine 86 with proline.
Molecular consequence: missense variant.
Genome position (GRCh38, 1-based): chr12:4,911,635, G>C. VCF-style: chr12-4911635-G-C. GRCh37 (hg19) VCF-style: chr12-5020801-G-C.
Other names: c.257G>C (NM_000217.2); short protein forms R86P.
Identifiers: ClinVar variation 2158041 (VCV002158041.5), dbSNP rs2497351812, ClinGen allele CA383454152.
Genomic context (GRCh38, chr12:4,911,635, plus strand): 5'-CTAAGAAACGCATGCGCTACTTCGACCCCCTGAGGAACGAGTACTTCTTCGACCGCAACC[G>C]GCCCAGCTTCGACGCCATCCTCTACTACTACCAGTCCGGCGGCCGCCTGCGGAGGCCGGT-3'
Protein context (NP_000208.2, residues 76-96): LRNEYFFDRN[Arg86Pro]PSFDAILYYY

ClinVar aggregate classification (germline): Uncertain significance. Review status: criteria provided, multiple submitters, no conflicts (2 of 4 stars). 2 submissions from 2 submitters: Uncertain significance (2). Last evaluated 2026-03-11.

Conditions:
Inborn genetic diseases. Identifiers: MedGen C0950123, MeSH D030342.
Episodic ataxia type 1 (EA1). Also called: ATAXIA, EPISODIC, WITH MYOKYMIA; MYOKYMIA WITH PERIODIC ATAXIA; PAROXYSMAL ATAXIA WITH NEUROMYOTONIA, HEREDITARY; Episodic ataxia/myokymia syndrome. Identifiers: Orphanet 37612, Orphanet 972, MedGen C1719788, MONDO:0008047, OMIM 160120.

Allele frequency attached by ClinVar (database versions not stated): gnomAD exomes below 0.00001.
gnomAD v4.1: 3 of 1,614,158 alleles (0.00019%); highest among the groups gnomAD compares: Non-Finnish European, 0.00025%; no homozygotes.

Submissions (2):

Ambry Genetics
Classification: Uncertain significance for Inborn genetic diseases. Last evaluated: 2026-03-11. Review status: criteria provided, single submitter. Criteria: Ambry Variant Classification Scheme 2023. Collection method: clinical testing. Allele origin: germline.

Labcorp Genetics (formerly Invitae), Labcorp
Classification: Uncertain significance for Episodic ataxia type 1. Last evaluated: 2025-06-09. Review status: criteria provided, single submitter. Criteria: Invitae Variant Classification Sherloc (09022015). Collection method: clinical testing. Allele origin: germline.
Comment: This sequence change replaces arginine, which is basic and polar, with proline, which is neutral and non-polar, at codon 86 of the KCNA1 protein (p.Arg86Pro). This variant is not present in population databases (gnomAD no frequency). This variant has not been reported in the literature in individuals affected with KCNA1-related conditions. ClinVar contains an entry for this variant (Variation ID: 2158041). Invitae Evidence Modeling of protein sequence and biophysical properties (such as structural, functional, and spatial information, amino acid conservation, physicochemical variation, residue mobility, and thermodynamic stability) has been performed for this missense variant. However, the output from this modeling did not meet the statistical confidence thresholds required to predict the impact of this variant on KCNA1 protein function. In summary, the available evidence is currently insufficient to determine the role of this variant in disease. Therefore, it has been classified as a Variant of Uncertain Significance.